The following is an entry in ClinVar:

ClinVar aggregate classification (germline): Uncertain significance (1 of 4 stars; one submission).

Submission:

GeneDx
Classification: Uncertain significance. Last evaluated: 2026-03-06. Review status: criteria provided, single submitter. Criteria: GeneDx Variant Classification Process June 2021. Collection method: clinical testing. Allele origin: germline.
Comment: Not observed at significant frequency in large population cohorts (gnomAD); In silico analysis suggests that this missense variant does not alter protein structure/function; Has not been previously published as pathogenic or benign to our knowledge

NM_017780.4(CHD7):c.5749A>G (p.Ile1917Val)

Gene: CHD7 (chromodomain helicase DNA binding protein 7; plus strand). Cytogenetic location: 8q12.2.
Variant type: single nucleotide variant.
Coding change: c.5749A>G on transcript NM_017780.4 (MANE Select); coding-DNA position 5749, A replaced by G.
Protein change: p.Ile1917Val; replaces isoleucine 1917 with valine.
Molecular consequence: missense variant. On other transcripts: intron variant (1).
Genome position (GRCh38, 1-based): chr8:60,852,102, A>G. VCF-style: chr8-60852102-A-G. GRCh37 (hg19) VCF-style: chr8-61764661-A-G.
Other names: c.1717-10127A>G (NM_001316690.1); short protein forms I1917V.
Identifiers: ClinVar variation 5008453 (VCV005008453.1).